The following is an entry in ClinVar:

ClinVar aggregate classification (germline): Uncertain significance (0 of 4 stars; one submission).

Allele frequency attached by ClinVar (database versions not stated): gnomAD exomes below 0.00001 and 0.00001; ExAC 0.00002; gnomAD 0.00002 and 0.00003; TOPMed 0.00003.
gnomAD v4.1: 7 of 1,613,796 alleles (0.00043%); highest among the groups gnomAD compares: Middle Eastern, 0.016%; no homozygotes.

Submission:

Department of Pathology and Laboratory Medicine, Sinai Health System
Classification: Uncertain significance. Review status: no assertion criteria provided. Collection method: clinical testing. Allele origin: unknown. Affected: yes. Study: The Canadian Open Genetics Repository (COGR).
Comment: The ARMC2 p.Arg137Gly variant was not identified in the literature nor was it identified in ClinVar, Cosmic, or LOVD 3.0. The variant was identified in dbSNP (ID: rs761127076) and in control databases in 5 of 282318 chromosomes at a frequency of 0.00001771 (Genome Aggregation Database March 6, 2019, v2.1.1). The variant was observed in the following populations: Other in 1 of 7206 chromosomes (freq: 0.000139), European (non-Finnish) in 1 of 128794 chromosomes (freq: 0.000008), and African in 3 of 24962 chromosomes (freq: 0.00012), but was not observed in the South Asian, Latino, European (Finnish), East Asian, or Ashkenazi Jewish populations. The variant occurs outside of the splicing consensus sequence and three out of four in silico or computational programs (MaxEntScan, NNSPLICE, GeneSplicer, SpliceSiteFinder) predict a greater than 10% difference in splicing. The p.Arg137 residue is not well conserved in mammals and computational analyses (PolyPhen-2, SIFT, AlignGVGD, BLOSUM, MutationTaster) provide inconsistent predictions regarding the impact to the protein; this information is not very predictive of pathogenicity. In summary, based on the above information the clinical significance of this variant cannot be determined with certainty at this time. This variant is classified as a variant of uncertain significance.

NM_032131.6(ARMC2):c.409A>G (p.Arg137Gly)

Gene: ARMC2 (armadillo repeat containing 2; plus strand). Cytogenetic location: 6q21.
Variant type: single nucleotide variant.
Coding change: c.409A>G on transcript NM_032131.6 (MANE Select); coding-DNA position 409, A replaced by G.
Protein change: p.Arg137Gly; replaces arginine 137 with glycine.
Molecular consequence: missense variant. On other transcripts: 5 prime UTR variant (1).
Genome position (GRCh38, 1-based): chr6:108,868,941, A>G. VCF-style: chr6-108868941-A-G. GRCh37 (hg19) VCF-style: chr6-109190144-A-G.
Other names: c.-87A>G (NM_001286609.2); short protein forms R137G.
Identifiers: ClinVar variation 1050035 (VCV001050035.1), dbSNP rs761127076, ClinGen allele CA3949623.